The following is an entry in ClinVar:

NM_006922.4(SCN3A):c.2768G>A (p.Arg923Gln)

Gene: SCN3A (sodium voltage-gated channel alpha subunit 3; minus strand). Cytogenetic location: 2q24.3.
Variant type: single nucleotide variant.
Coding change: c.2768G>A on transcript NM_006922.4 (MANE Select); coding-DNA position 2768, G replaced by A.
Protein change: p.Arg923Gln; replaces arginine 923 with glutamine.
Molecular consequence: missense variant.
Genome position (GRCh38, 1-based): chr2:165,130,094, C>T on the plus strand (G>A on the coding strand, the complement: SCN3A is on the minus strand). VCF-style: chr2-165130094-C-T. GRCh37 (hg19) VCF-style: chr2-165986604-C-T.
Other names: c.2621G>A, p.Arg874Gln (NM_001081676.2, NM_001081677.2); c.2768G>A (NM_006922.3); short protein forms R874Q, R923Q.
Identifiers: ClinVar variation 1497295 (VCV001497295.9), dbSNP rs1035773270, ClinGen allele CA59734221.

ClinVar aggregate classification (germline): Uncertain significance. Review status: criteria provided, multiple submitters, no conflicts (2 of 4 stars). 2 submissions from 2 submitters: Uncertain significance (2). Last evaluated 2024-06-02.

Allele frequency attached by ClinVar (database versions not stated): TOPMed below 0.00001.

Submissions (2):

GeneDx
Classification: Uncertain significance. Last evaluated: 2024-06-02. Review status: criteria provided, single submitter. Criteria: GeneDx Variant Classification Process June 2021. Collection method: clinical testing. Allele origin: germline. Affected: yes.
Comment: Not observed at significant frequency in large population cohorts (gnomAD); In silico analysis supports that this missense variant has a deleterious effect on protein structure/function; Has not been previously published as pathogenic or benign to our knowledge

Labcorp Genetics (formerly Invitae), Labcorp
Classification: Uncertain significance. Last evaluated: 2022-11-15. Review status: criteria provided, single submitter. Criteria: Invitae Variant Classification Sherloc (09022015). Collection method: clinical testing. Allele origin: germline.
Comment: This variant is not present in population databases (gnomAD no frequency). This sequence change replaces arginine, which is basic and polar, with glutamine, which is neutral and polar, at codon 923 of the SCN3A protein (p.Arg923Gln). This variant has not been reported in the literature in individuals affected with SCN3A-related conditions. ClinVar contains an entry for this variant (Variation ID: 1497295). Advanced modeling of protein sequence and biophysical properties (such as structural, functional, and spatial information, amino acid conservation, physicochemical variation, residue mobility, and thermodynamic stability) performed at Invitae indicates that this missense variant is expected to disrupt SCN3A protein function. In summary, the available evidence is currently insufficient to determine the role of this variant in disease. Therefore, it has been classified as a Variant of Uncertain Significance.